The following is an entry in ClinVar:

NM_198253.3(TERT):c.730C>A (p.Pro244Thr)

Gene: TERT (telomerase reverse transcriptase; minus strand). Cytogenetic location: 5p15.33.
Variant type: single nucleotide variant.
Coding change: c.730C>A on transcript NM_198253.3 (MANE Select); coding-DNA position 730, C replaced by A.
Protein change: p.Pro244Thr; replaces proline 244 with threonine.
Molecular consequence: missense variant. On other transcripts: non-coding transcript variant (2).
Genome position (GRCh38, 1-based): chr5:1,294,156, G>T on the plus strand (C>A on the coding strand, the complement: TERT is on the minus strand). VCF-style: chr5-1294156-G-T. GRCh37 (hg19) VCF-style: chr5-1294271-G-T.
Other names: c.730C>A, p.Pro244Thr (NM_001193376.3, NM_003219.1); short protein forms P244T.
Identifiers: ClinVar variation 3238482 (VCV003238482.2), dbSNP rs2126688108.

ClinVar aggregate classification (germline): Uncertain significance (1 of 4 stars; one submission).

Conditions:
Dyskeratosis congenita. Identifiers: Orphanet 1775, MedGen C0265965, MONDO:0015780.

Submission:

Ambry Genetics
Classification: Uncertain significance for Dyskeratosis congenita. Last evaluated: 2025-10-22. Review status: criteria provided, single submitter. Criteria: Ambry Variant Classification Scheme 2023. Collection method: clinical testing. Allele origin: germline.
Comment: The p.P244T variant (also known as c.730C>A), located in coding exon 2 of the TERT gene, results from a C to A substitution at nucleotide position 730. The proline at codon 244 is replaced by threonine, an amino acid with highly similar properties. This amino acid position is conserved. In addition, this alteration is predicted to be tolerated by in silico analysis. Since supporting evidence is limited at this time, the clinical significance of this alteration remains unclear.